The following is an entry in ClinVar:

NM_033305.3(VPS13A):c.5831-1G>A

Gene: VPS13A (vacuolar protein sorting 13 homolog A; plus strand). Cytogenetic location: 9q21.2.
Variant type: single nucleotide variant.
Coding change: c.5831-1G>A on transcript NM_033305.3 (MANE Select); the canonical splice acceptor site of the intron before coding-DNA position 5831, G replaced by A.
Molecular consequence: splice acceptor variant.
Genome position (GRCh38, 1-based): chr9:77,323,066, G>A. VCF-style: chr9-77323066-G-A. GRCh37 (hg19) VCF-style: chr9-79937982-G-A.
Other names: c.5714-1G>A (NM_001018037.2); c.5831-1G>A (NM_015186.4, NM_001018038.3).
Identifiers: ClinVar variation 4816409 (VCV004816409.1).

ClinVar aggregate classification (germline): Likely pathogenic (1 of 4 stars; one submission).

Conditions:
VPS13A-related neurodegenerative disease. Also called: LEVINE-CRITCHLEY SYNDROME; Choreoacanthocytosis; Chorea-acanthocytosis; ACANTHOCYTOSIS WITH NEUROLOGIC DISORDER; VPS13A Disease; Choreaacanthocytosis. Identifiers: Orphanet 2388, MedGen C0393576, MONDO:0008695, OMIM 200150.

gnomAD v4.1: 1 of 1,607,822 alleles (0.000062%); highest among the groups gnomAD compares: African/African-American, 0.0013%; no homozygotes.

Submission:

Natera, Inc.
Classification: Likely pathogenic for Choreaacanthocytosis. Last evaluated: 2024-12-17. Review status: criteria provided, single submitter. Criteria: Natera Variant Classification Schema (03/2026). Collection method: clinical testing. Allele origin: germline.
Comment: The c.5831-1G>A variant in VPS13A is a canonical splice acceptor site variant predicted to affect pre-mRNA splicing, which may result in an abnormal transcript and altered protein product. This variant is expected to result in nonsense mediated decay, truncation, or a dysfunctional protein product. This variant is rare in the general population with a frequency below the threshold expected for the associated phenotype(s). Given the available evidence, this variant is classified as Likely Pathogenic.